The following is an entry in ClinVar:

NM_002500.4(NEUROD1):c.*1339T>C

Gene: NEUROD1 (neuronal differentiation 1; minus strand). Cytogenetic location: 2q31.3.
Variant type: single nucleotide variant.
Coding change: c.*1339T>C on transcript NM_002500.4; 1339 bases downstream of the stop codon, T replaced by C.
Genome position (GRCh38, 1-based): chr2:181,676,451, A>G on the plus strand (T>C on the coding strand, the complement: NEUROD1 is on the minus strand). VCF-style: chr2-181676451-A-G. GRCh37 (hg19) VCF-style: chr2-182541178-A-G.
Identifiers: ClinVar variation 333020 (VCV000333020.7), dbSNP rs17847284, ClinGen allele CA10612145.

ClinVar aggregate classification (germline): Benign (1 of 4 stars; one submission).

Conditions:
Maturity-onset diabetes of the young type 6 (MODY6). Identifiers: Orphanet 552, MedGen C1853371, MONDO:0011668, OMIM 606394.

Allele frequency attached by ClinVar (database versions not stated): TOPMed 0.00028; gnomAD 0.00056 and 0.00074; 1000 Genomes Project 30x 0.00203; 1000 Genomes Project 0.00220.

Submission:

Illumina Laboratory Services, Illumina
Classification: Benign for Maturity-onset diabetes of the young type 6. Last evaluated: 2018-01-13. Review status: criteria provided, single submitter. Criteria: ICSL Variant Classification Criteria 13 December 2019. Collection method: clinical testing. Allele origin: germline.
Comment: This variant was observed in the ICSL laboratory as part of a predisposition screen in an ostensibly healthy population. It had not been previously curated by ICSL or reported in the Human Gene Mutation Database (HGMD: prior to June 1st, 2018), and was therefore a candidate for classification through an automated scoring system. Utilizing variant allele frequency, disease prevalence and penetrance estimates, and inheritance mode, an automated score was calculated to assess if this variant is too frequent to cause the disease. Based on the score and internal cut-off values, a variant classified as benign is not then subjected to further curation. The score for this variant resulted in a classification of benign for this disease.